The following is an entry in ClinVar:

NM_000363.5(TNNI3):c.614A>G (p.Lys205Arg)

Gene: TNNI3 (troponin I3, cardiac type; minus strand). Cytogenetic location: 19q13.42.
Variant type: single nucleotide variant.
Coding change: c.614A>G on transcript NM_000363.5 (MANE Select); coding-DNA position 614, A replaced by G.
Protein change: p.Lys205Arg; replaces lysine 205 with arginine.
Molecular consequence: missense variant.
Genome position (GRCh38, 1-based): chr19:55,151,853, T>C on the plus strand (A>G on the coding strand, the complement: TNNI3 is on the minus strand). VCF-style: chr19-55151853-T-C. GRCh37 (hg19) VCF-style: chr19-55663221-T-C.
Other names: short protein forms K205R.
Identifiers: ClinVar variation 3655865 (VCV003655865.2).

ClinVar aggregate classification (germline): Uncertain significance (1 of 4 stars; one submission).

Conditions:
Hypertrophic cardiomyopathy. Also called: HYPERTROPHIC MYOCARDIOPATHY. Identifiers: Orphanet 217569, MedGen C0007194, MeSH D002312, MONDO:0005045, HP:0001639.

Submission:

Labcorp Genetics (formerly Invitae), Labcorp
Classification: Uncertain significance for Hypertrophic cardiomyopathy. Last evaluated: 2024-06-08. Review status: criteria provided, single submitter. Criteria: Invitae Variant Classification Sherloc (09022015). Collection method: clinical testing. Allele origin: germline.
Comment: This sequence change replaces lysine, which is basic and polar, with arginine, which is basic and polar, at codon 205 of the TNNI3 protein (p.Lys205Arg). This variant is not present in population databases (gnomAD no frequency). This variant has not been reported in the literature in individuals affected with TNNI3-related conditions. An algorithm developed to predict the effect of missense changes on protein structure and function (PolyPhen-2) suggests that this variant is likely to be disruptive. In summary, the available evidence is currently insufficient to determine the role of this variant in disease. Therefore, it has been classified as a Variant of Uncertain Significance.